The following is an entry in ClinVar:

NM_001281775.3(ZMYND8):c.3072C>T (p.Ile1024=)

Gene: ZMYND8 (zinc finger MYND-type containing 8; minus strand). Cytogenetic location: 20q13.12.
Variant type: single nucleotide variant.
Coding change: c.3072C>T on transcript NM_001281775.3 (MANE Select); coding-DNA position 3072, C replaced by T.
Protein change: p.Ile1024=; no amino-acid change (isoleucine 1024 retained).
Molecular consequence: synonymous variant.
Genome position (GRCh38, 1-based): chr20:47,224,501, G>A on the plus strand (C>T on the coding strand, the complement: ZMYND8 is on the minus strand). VCF-style: chr20-47224501-G-A. GRCh37 (hg19) VCF-style: chr20-45853154-G-A.
Other names: c.2616C>T, p.Ile872= (NM_001281771.3); c.3012C>T, p.Ile1004= (NM_001281772.3, NM_001281773.3, NM_001363741.2); c.2874C>T, p.Ile958= (NM_001281774.3); c.2691C>T, p.Ile897= (NM_001281776.3); c.2859C>T, p.Ile953= (NM_001281777.3, NM_183048.4); c.2997C>T, p.Ile999= (NM_001281778.3); c.2130C>T, p.Ile710= (NM_001281779.3, NM_001281780.3); c.2718C>T, p.Ile906= (NM_001281781.3); and 5 more.
Identifiers: ClinVar variation 4822475 (VCV004822475.4).

ClinVar aggregate classification (germline): Likely benign (1 of 4 stars; one submission).

gnomAD v4.1: 8 of 1,614,058 alleles (0.0005%); highest among the groups gnomAD compares: Middle Eastern, 0.033%; no homozygotes.

Submission:

CeGaT Center for Human Genetics Tuebingen
Classification: Likely benign. Last evaluated: 2026-02-01. Review status: criteria provided, single submitter. Criteria: CeGaT Center For Human Genetics Tuebingen Variant Classification Criteria Version 2. Collection method: clinical testing. Allele origin: germline. Affected: yes. Observed: 1 variant allele.
Comment: ZMYND8: BP4, BP7